The following is an entry in ClinVar:

ClinVar aggregate classification (germline): Conflicting classifications of pathogenicity. Review status: criteria provided, conflicting classifications (1 of 4 stars). 2 submissions from 2 submitters: Uncertain significance (1); Likely benign (1). Last evaluated 2025-09-01.

Allele frequency attached by ClinVar (database versions not stated): gnomAD 0.00010; TOPMed 0.00014; 1000 Genomes Project 30x 0.00016.
gnomAD v4.1: 347 of 1,531,626 alleles (0.023%); highest among the groups gnomAD compares: Non-Finnish European, 0.028%; no homozygotes.

Submissions (2):

CeGaT Center for Human Genetics Tuebingen
Classification: Likely benign. Last evaluated: 2025-09-01. Review status: criteria provided, single submitter. Criteria: CeGaT Center For Human Genetics Tuebingen Variant Classification Criteria Version 2. Collection method: clinical testing. Allele origin: germline. Affected: yes. Observed: 1 variant allele.
Comment: THSD4: BP4

Ambry Genetics
Classification: Uncertain significance. Last evaluated: 2021-08-02. Review status: criteria provided, single submitter. Criteria: Ambry Variant Classification Scheme 2023. Collection method: clinical testing. Allele origin: germline.

NM_024817.3(THSD4):c.439G>T (p.Gly147Cys)

Gene: THSD4 (thrombospondin type 1 domain containing 4; plus strand). Cytogenetic location: 15q23.
Variant type: single nucleotide variant.
Coding change: c.439G>T on transcript NM_024817.3 (MANE Select); coding-DNA position 439, G replaced by T.
Protein change: p.Gly147Cys; replaces glycine 147 with cysteine.
Molecular consequence: missense variant.
Genome position (GRCh38, 1-based): chr15:71,215,374, G>T. VCF-style: chr15-71215374-G-T. GRCh37 (hg19) VCF-style: chr15-71507713-G-T.
Other names: c.439G>T, p.Gly147Cys (NM_001394532.1); short protein forms G147C.
Identifiers: ClinVar variation 3177176 (VCV003177176.8), dbSNP rs930116181, ClinGen allele CA273174817.